The following is an entry in ClinVar:

ClinVar aggregate classification (germline): Pathogenic. Review status: criteria provided, multiple submitters, no conflicts (2 of 4 stars). 5 submissions from 5 submitters: Pathogenic (5). Last evaluated 2023-06-16.

Conditions:
Inborn genetic diseases. Identifiers: MedGen C0950123, MeSH D030342.
Intellectual disability. Also called: intellectual disabilities; Intellectual developmental disorder; Intellectual functioning disability. Identifiers: MedGen C3714756, MeSH D008607, MONDO:0001071, HP:0001249.
Seizures, benign familial infantile, 3 (BFIS3). Also called: CONVULSIONS, BENIGN FAMILIAL INFANTILE, 3; Familial neonatal seizures. Identifiers: Orphanet 140927, Orphanet 306, MedGen C1843140, MONDO:0011904, OMIM 607745.
Developmental and epileptic encephalopathy, 11 (DEE11). Also called: Early infantile epileptic encephalopathy 11. Identifiers: Orphanet 1934, MedGen C3150987, MONDO:0013388, OMIM 613721.

Submissions (5):

Labcorp Genetics (formerly Invitae), Labcorp
Classification: Pathogenic for Seizures, benign familial infantile, 3; Developmental and epileptic encephalopathy, 11. Last evaluated: 2023-06-16. Review status: criteria provided, single submitter. Criteria: Invitae Variant Classification Sherloc (09022015). Collection method: clinical testing. Allele origin: germline.
Comment: Experimental studies have shown that this premature translational stop signal affects SCN2A function (PMID: 30813884). Algorithms developed to predict the effect of variants on protein structure and function are not available or were not evaluated for this variant. ClinVar contains an entry for this variant (Variation ID: 978936). This variant is also known as c.1827_1828del (p.D609fs). This premature translational stop signal has been observed in individual(s) with intellectual disability (PMID: 23020937, 25849321). This variant is not present in population databases (gnomAD no frequency). This sequence change creates a premature translational stop signal (p.Leu611Valfs*35) in the SCN2A gene. It is expected to result in an absent or disrupted protein product. Loss-of-function variants in SCN2A are known to be pathogenic (PMID: 28379373). For these reasons, this variant has been classified as Pathogenic.

Mayo Clinic Laboratories, Mayo Clinic
Classification: Pathogenic. Last evaluated: 2022-06-07. Review status: criteria provided, single submitter. Criteria: ACMG Guidelines, 2015. Collection method: clinical testing. Allele origin: germline. Observed: 1 variant allele.
Comment: PM2, PS2, PVS1

Breakthrough Genomics
Classification: Pathogenic for Developmental and epileptic encephalopathy, 11. Last evaluated: 2022-04-11. Review status: criteria provided, single submitter. Criteria: ACMG Guidelines, 2015. Collection method: clinical testing. Allele origin: germline. Affected: yes.
Comment: This variant was previously reported in a patient with intellectual disability in de novo heterozygous state [PMID: 30813884]. Loss-of-function variants in SCN2A generally result in autism, developmental delay, and sometimes seizures that begin later in life [PMID: 22495306, 23020937, 24650168, 34156984].

Diagnostic Laboratory, Strasbourg University Hospital
Classification: Pathogenic for Intellectual disability. Last evaluated: 2020-04-20. Review status: criteria provided, single submitter. Criteria: ACMG Guidelines, 2015. Collection method: clinical testing. Allele origin: de novo. Inheritance: Autosomal dominant inheritance. Affected: yes. Observed: 1 heterozygote.

Ambry Genetics
Classification: Pathogenic for Inborn genetic diseases. Last evaluated: 2019-08-22. Review status: criteria provided, single submitter. Criteria: Ambry Variant Classification Scheme 2023. Collection method: clinical testing. Allele origin: germline.
Comment: The c.1831_1832delCT pathogenic mutation, located in coding exon 11 of the SCN2A gene, results from a deletion of two nucleotides at nucleotide positions 1831 to 1832, causing a translational frameshift with a predicted alternate stop codon (p.L611Vfs*35). This mutation was detected as de novo in an individual with intellectual disability, aggressive behavior, and dysmorphic facial features (Rauch A et al. Lancet, 2012 Nov;380:1674-82). In one paper, authors showed that this mutation results in a complete loss of voltage-gated sodium channel mediated currents in whole cell patch clamp studies (Begemann A et al. Mol. Med., 2019 02;25:6). This alteration is expected to result in loss of function by premature protein truncation or nonsense-mediated mRNA decay. As such, this alteration is interpreted as a disease-causing mutation.

Literature cited by the submitters: PubMed 30813884 (cited by 3 submitters); PubMed 23020937 (cited by 3 submitters); PubMed 25849321 (cited by 3 submitters); PubMed 28379373 (cited by Labcorp Genetics (formerly Invitae), Labcorp); PubMed 24579881 (cited by Mayo Clinic Laboratories, Mayo Clinic); PubMed 28191890 (cited by Mayo Clinic Laboratories, Mayo Clinic and Ambry Genetics).

NM_001040142.2(SCN2A):c.1831_1832del (p.Leu611fs)

Gene: SCN2A (sodium voltage-gated channel alpha subunit 2; plus strand). Cytogenetic location: 2q24.3.
Variant type: Microsatellite.
Coding change: c.1831_1832del on transcript NM_001040142.2 (MANE Select); coding-DNA positions 1831 to 1832, 2 bases deleted (CT; older notation c.1831_1832delCT).
Protein change: p.Leu611fs; shifts the reading frame from leucine 611.
Molecular consequence: frameshift variant.
Genome position (GRCh38, 1-based): chr2:165,323,315-165,323,316, CT deleted; deleting any 2 consecutive bases within chr2:165,323,311-165,323,316 gives the same sequence; the c. name uses the placement nearest the transcript's 3' end. VCF-style (leftmost placement, unchanged base first): chr2-165323310-ACT-A. GRCh37 (hg19) VCF-style: chr2-166179820-ACT-A.
Other names: p.Leu611Valfs*35; p.Leu611ValfsTer35; c.1831_1832delCT (NM_021007.2, NM_001040142.2); c.1831_1832del, p.Leu611fs (NM_001040143.2, NM_001371246.1, NM_001371247.1 and 1 more transcripts); short protein forms L611fs.
Identifiers: ClinVar variation 978936 (VCV000978936.15), dbSNP rs1698166561, ClinGen allele CA645539168.
Genomic context (GRCh38, chr2:165,323,310, plus strand): 5'-CTGAGAATGACTTTGCTGATGATGAGCACAGCACCTTTGAGGACAATGACAGCCGAAGAG[ACT>A]CTCTGTTCGTGCCGCACAGACATGGAGAACGGCGCCACAGCAATGTCAGCCAGGCCAGCC-3'